The following is an entry in ClinVar:

NM_152703.5(SAMD9L):c.1441T>C (p.Trp481Arg)

Gene: SAMD9L (sterile alpha motif domain containing 9 like; minus strand). Cytogenetic location: 7q21.2.
Variant type: single nucleotide variant.
Coding change: c.1441T>C on transcript NM_152703.5 (MANE Select); coding-DNA position 1441, T replaced by C.
Protein change: p.Trp481Arg; replaces tryptophan 481 with arginine.
Molecular consequence: missense variant.
Genome position (GRCh38, 1-based): chr7:93,134,531, A>G on the plus strand (T>C on the coding strand, the complement: SAMD9L is on the minus strand). VCF-style: chr7-93134531-A-G. GRCh37 (hg19) VCF-style: chr7-92763844-A-G.
Other names: c.1441T>C (NM_152703.2); c.1441T>C, p.Trp481Arg (NM_001303496.3, NM_001303497.3, NM_001303498.3 and 5 more transcripts); short protein forms W481R.
Identifiers: ClinVar variation 2136034 (VCV002136034.4), dbSNP rs772266411, ClinGen allele CA4343726.

ClinVar aggregate classification (germline): Conflicting classifications of pathogenicity. Review status: criteria provided, conflicting classifications (1 of 4 stars). 3 submissions from 3 submitters: Uncertain significance (2); Likely benign (1). Last evaluated 2025-10-23.

Conditions:
Inborn genetic diseases. Identifiers: MedGen C0950123, MeSH D030342.

Allele frequency attached by ClinVar (database versions not stated): ExAC 0.00001; gnomAD 0.00001; gnomAD exomes 0.00001; TOPMed 0.00001.

Submissions (3):

Labcorp Genetics (formerly Invitae), Labcorp
Classification: Uncertain significance. Last evaluated: 2025-10-23. Review status: criteria provided, single submitter. Criteria: Invitae Variant Classification Sherloc (09022015). Collection method: clinical testing. Allele origin: germline.
Comment: This sequence change replaces tryptophan, which is neutral and slightly polar, with arginine, which is basic and polar, at codon 481 of the SAMD9L protein (p.Trp481Arg). This variant is present in population databases (rs772266411, gnomAD 0.007%). This variant has not been reported in the literature in individuals affected with SAMD9L-related conditions. ClinVar contains an entry for this variant (Variation ID: 2136034). An algorithm developed to predict the effect of missense changes on protein structure and function outputs the following: PolyPhen-2: "Benign". The arginine amino acid residue is found in multiple mammalian species, which suggests that this missense change does not adversely affect protein function. In summary, the available evidence is currently insufficient to determine the role of this variant in disease. Therefore, it has been classified as a Variant of Uncertain Significance.

Ambry Genetics
Classification: Likely benign for Inborn genetic diseases. Last evaluated: 2024-12-06. Review status: criteria provided, single submitter. Criteria: Ambry Variant Classification Scheme 2023. Collection method: clinical testing. Allele origin: germline.

GeneDx
Classification: Uncertain significance. Last evaluated: 2024-04-11. Review status: criteria provided, single submitter. Criteria: GeneDx Variant Classification Process June 2021. Collection method: clinical testing. Allele origin: germline. Affected: yes.
Comment: Not observed at significant frequency in large population cohorts (gnomAD); In silico analysis indicates that this missense variant does not alter protein structure/function; Has not been previously published as pathogenic or benign to our knowledge; This variant is associated with the following publications: (PMID: 28545555)